The following is an entry in ClinVar:

ClinVar aggregate classification (germline): Uncertain significance (1 of 4 stars; one submission).

gnomAD v4.1: 1 of 1,613,666 alleles (0.000062%); highest among the groups gnomAD compares: Admixed American, 0.0017%; no homozygotes.

Submission:

GeneDx
Classification: Uncertain significance. Last evaluated: 2024-08-27. Review status: criteria provided, single submitter. Criteria: GeneDx Variant Classification Process June 2021. Collection method: clinical testing. Allele origin: germline. Affected: yes.
Comment: Not observed at significant frequency in large population cohorts (gnomAD); In silico analysis indicates that this missense variant does not alter protein structure/function; Has not been previously published as pathogenic or benign to our knowledge

NM_016628.5(WAC):c.1547A>G (p.Gln516Arg)

Gene: WAC (WW domain containing adaptor with coiled-coil; plus strand). Cytogenetic location: 10p12.1.
Variant type: single nucleotide variant.
Coding change: c.1547A>G on transcript NM_016628.5 (MANE Select); coding-DNA position 1547, A replaced by G.
Protein change: p.Gln516Arg; replaces glutamine 516 with arginine.
Molecular consequence: missense variant.
Genome position (GRCh38, 1-based): chr10:28,614,676, A>G. VCF-style: chr10-28614676-A-G. GRCh37 (hg19) VCF-style: chr10-28903605-A-G.
Other names: c.1412A>G, p.Gln471Arg (NM_100264.3); c.1238A>G, p.Gln413Arg (NM_100486.4); short protein forms Q413R, Q471R, Q516R.
Identifiers: ClinVar variation 3774617 (VCV003774617.1).
Genomic context (GRCh38, chr10:28,614,676, plus strand): 5'-AGCAGCCTGTAACTGCTGACAAGCAGCAAGGTCATGAACCTGTCTCTCCTCGAAGTCTTC[A>G]GCGCTCAAGGTAGGTTGATATTGTATATTGAGACCACATTGTTTTATTTAATGATGGTAC-3'
Protein context (NP_057712.2, residues 506-526): GHEPVSPRSL[Gln516Arg]RSSSQRSPSP